The following is an entry in ClinVar:

ClinVar aggregate classification (germline): Uncertain significance. Review status: criteria provided, single submitter (1 of 4 stars). 2 submissions from 2 submitters: Uncertain significance (1). 1 of the submissions does not count toward it. Last evaluated 2021-09-02.

Conditions:
Zellweger spectrum disorders (ZS). Also called: Zellweger syndrome; Zellweger Spectrum Disorder; Zellweger Spectrum; Zellweger Spectrum Disorder (ZSD). Identifiers: Orphanet 912, MedGen C0043459, MONDO:0019609.

Allele frequency attached by ClinVar (database versions not stated): ExAC 0.00002; gnomAD exomes 0.00002; TOPMed 0.00003; gnomAD 0.00004 and 0.00005; ESP Exome Variant Server 0.00015.
gnomAD v4.1: 40 of 1,613,750 alleles (0.0025%); highest among the groups gnomAD compares: African/African-American, 0.0093%; no homozygotes.

Submissions (2):

Labcorp Genetics (formerly Invitae), Labcorp
Classification: Uncertain significance for Zellweger spectrum disorders. Last evaluated: 2021-09-02. Review status: criteria provided, single submitter. Criteria: Invitae Variant Classification Sherloc (09022015). Collection method: clinical testing. Allele origin: germline.
Comment: This sequence change replaces arginine with cysteine at codon 985 of the PEX1 protein (p.Arg985Cys). The arginine residue is highly conserved and there is a large physicochemical difference between arginine and cysteine. This variant is present in population databases (rs371988432, ExAC 0.01%). This variant has not been reported in the literature in individuals affected with PEX1-related conditions. Algorithms developed to predict the effect of missense changes on protein structure and function (SIFT, PolyPhen-2, Align-GVGD) all suggest that this variant is likely to be disruptive. In summary, the available evidence is currently insufficient to determine the role of this variant in disease. Therefore, it has been classified as a Variant of Uncertain Significance.

Natera, Inc.
Classification: Uncertain significance for Zellweger syndrome. Last evaluated: 2019-02-28. Review status: no assertion criteria provided. Collection method: clinical testing. Allele origin: germline. Not counted in ClinVar's aggregate classification.

NM_000466.3(PEX1):c.2953C>T (p.Arg985Cys)

Genes: PEX1 (peroxisomal biogenesis factor 1; minus strand), GATAD1 (GATA zinc finger domain containing 1; plus strand). Cytogenetic location: 7q21.2.
Variant type: single nucleotide variant.
Coding change: c.2953C>T on transcript NM_000466.3 (MANE Select); coding-DNA position 2953, C replaced by T.
Protein change: p.Arg985Cys; replaces arginine 985 with cysteine.
Molecular consequence: missense variant.
Genome position (GRCh38, 1-based): chr7:92,494,370, G>A on the plus strand (C>T on the coding strand, the complement: PEX1 is on the minus strand). VCF-style: chr7-92494370-G-A. GRCh37 (hg19) VCF-style: chr7-92123684-G-A.
Other names: c.2782C>T, p.Arg928Cys (NM_001282677.2); c.2329C>T, p.Arg777Cys (NM_001282678.2); short protein forms R777C, R928C, R985C.
Identifiers: ClinVar variation 1052421 (VCV001052421.6), dbSNP rs371988432, ClinGen allele CA4340950.